The following is an entry in ClinVar:

NM_001046.3(SLC12A2):c.509G>C (p.Ser170Thr)

Gene: SLC12A2 (solute carrier family 12 member 2; plus strand). Cytogenetic location: 5q23.3.
Variant type: single nucleotide variant.
Coding change: c.509G>C on transcript NM_001046.3 (MANE Select); coding-DNA position 509, G replaced by C.
Protein change: p.Ser170Thr; replaces serine 170 with threonine.
Molecular consequence: missense variant. On other transcripts: non-coding transcript variant (1).
Genome position (GRCh38, 1-based): chr5:128,084,463, G>C. VCF-style: chr5-128084463-G-C. GRCh37 (hg19) VCF-style: chr5-127420155-G-C.
Other names: c.509G>C, p.Ser170Thr (NM_001256461.2); short protein forms S170T.
Identifiers: ClinVar variation 3373632 (VCV003373632.1).
Genomic context (GRCh38, chr5:128,084,463, plus strand): 5'-CGTCGGCTGAAGACAGCCTGTCAGATGCTGCCGGGGTCGGAGTCGACGGGCCCAACGTGA[G>C]CTTCCAGAACGGCGGGGACACGGTGCTGAGCGAGGGCAGCAGCCTGCACTCCGGCGGCGG-3'
Protein context (NP_001037.1, residues 160-180): AGVGVDGPNV[Ser170Thr]FQNGGDTVLS

ClinVar aggregate classification (germline): Uncertain significance (1 of 4 stars; one submission).

gnomAD v4.1: 25 of 1,612,968 alleles (0.0015%); highest among the groups gnomAD compares: Non-Finnish European, 0.0021%; no homozygotes.

Submission:

GeneDx
Classification: Uncertain significance. Last evaluated: 2024-03-04. Review status: criteria provided, single submitter. Criteria: GeneDx Variant Classification Process June 2021. Collection method: clinical testing. Allele origin: germline. Affected: yes.
Comment: Not observed at significant frequency in large population cohorts (gnomAD); In silico analysis supports that this missense variant does not alter protein structure/function; Has not been previously published as pathogenic or benign to our knowledge